The following is an entry in ClinVar:

NM_001009944.3(PKD1):c.11989del (p.Leu3997fs)

Gene: PKD1 (polycystin 1, transient receptor potential channel interacting; minus strand). Cytogenetic location: 16p13.3.
Variant type: Deletion.
Coding change: c.11989del on transcript NM_001009944.3 (MANE Select); coding-DNA position 11989, one base deleted (C; older notation c.11989delC).
Protein change: p.Leu3997fs; shifts the reading frame from leucine 3997.
Molecular consequence: frameshift variant.
Genome position (GRCh38, 1-based): chr16:2,090,898, G deleted on the plus strand (C on the coding strand, the reverse complement: PKD1 is on the minus strand); the first of 2 consecutive G bases (chr16:2,090,898-2,090,899); deleting either gives the same sequence. VCF-style (leftmost placement, unchanged base first): chr16-2090897-AG-A. GRCh37 (hg19) VCF-style: chr16-2140898-AG-A.
Other names: c.11986del, p.Leu3996fs (NM_000296.4); short protein forms L3996fs, L3997fs.
Identifiers: ClinVar variation 3236020 (VCV003236020.2), dbSNP rs2544596466, ClinGen allele CA2631137276.

ClinVar aggregate classification (germline): Pathogenic/Likely pathogenic. Review status: criteria provided, multiple submitters, no conflicts (2 of 4 stars). 2 submissions from 2 submitters: Pathogenic (1); Likely pathogenic (1). Last evaluated 2023-12-01.

Conditions:
PKD1-related disorder. Also called: PKD1-related condition.
Polycystic kidney disease, adult type (PKD1). Also called: POLYCYSTIC KIDNEY DISEASE, ADULT, TYPE I; Polycystic Kidney Disease 1, Autosomal Dominant; Polycystic kidney disease 1; Polycystic kidney disease 1, severe; Polycystic Kidney, Autosomal Dominant; POLYCYSTIC KIDNEY DISEASE 1 WITH OR WITHOUT POLYCYSTIC LIVER DISEASE. Identifiers: MedGen C3149841, MONDO:0008263, OMIM 173900.

Submissions (2):

Blueprint Genetics
Classification: Likely pathogenic for PKD1-related disorders. Last evaluated: 2023-12-01. Review status: criteria provided, single submitter. Criteria: ACMG Guidelines, 2015. Collection method: clinical testing. Allele origin: germline. Affected: yes. Observed: 1 variant allele.

MVZ Medizinische Genetik Mainz
Classification: Pathogenic for Polycystic kidney disease, adult type. Last evaluated: 2023-04-26. Review status: criteria provided, single submitter. Criteria: UK Practice Guidelines For Variant Classification V4 01 2020. Collection method: clinical testing. Allele origin: germline. Inheritance: Autosomal dominant inheritance. Affected: yes. Observed: 1 variant allele.
Comment: ACMG Criteria: PVS1,PM2_SUP,PP4